The following is an entry in ClinVar:

NM_004168.4(SDHA):c.436G>C (p.Ala146Pro)

Gene: SDHA (succinate dehydrogenase complex flavoprotein subunit A; plus strand). Cytogenetic location: 5p15.33.
Variant type: single nucleotide variant.
Coding change: c.436G>C on transcript NM_004168.4 (MANE Select); coding-DNA position 436, G replaced by C.
Protein change: p.Ala146Pro; replaces alanine 146 with proline.
Molecular consequence: missense variant. On other transcripts: intron variant (1).
Genome position (GRCh38, 1-based): chr5:225,542, G>C. VCF-style: chr5-225542-G-C. GRCh37 (hg19) VCF-style: chr5-225657-G-C.
Other names: c.436G>C, p.Ala146Pro (NM_001330758.2); c.313-341G>C (NM_001294332.2); short protein forms A146P.
Identifiers: ClinVar variation 1719761 (VCV001719761.6), dbSNP rs773634017, ClinGen allele CA359009651.
Genomic context (GRCh38, chr5:225,542, plus strand): 5'-ACCGTGAAGGGCTCCGACTGGCTGGGGGACCAGGATGCCATCCACTACATGACGGAGCAG[G>C]CCCCCGCCGCCGTGGTCGAGGTGATGGGCGGGAGGCTCTGGGTGTTCTCGTGGTCTGTTT-3'
Protein context (NP_004159.2, residues 136-156): QDAIHYMTEQ[Ala146Pro]PAAVVELENY

ClinVar aggregate classification (germline): Uncertain significance (1 of 4 stars; one submission).

Conditions:
Mitochondrial complex II deficiency, nuclear type 1. Also called: SUCCINATE CoQ REDUCTASE DEFICIENCY. Identifiers: Orphanet 3208, MedGen C5700310, MONDO:0100294, OMIM 252011.
Pheochromocytoma/paraganglioma syndrome 5. Also called: Paragangliomas 5; SDHA-Related Hereditary Paraganglioma-Pheochromocytoma Syndrome. Identifiers: Orphanet 29072, MedGen C3279992, MONDO:0013602, OMIM 614165.

Submission:

Labcorp Genetics (formerly Invitae), Labcorp
Classification: Uncertain significance for Pheochromocytoma/paraganglioma syndrome 5; Mitochondrial complex II deficiency, nuclear type 1. Last evaluated: 2022-09-19. Review status: criteria provided, single submitter. Criteria: Invitae Variant Classification Sherloc (09022015). Collection method: clinical testing. Allele origin: germline.
Comment: In summary, the available evidence is currently insufficient to determine the role of this variant in disease. Therefore, it has been classified as a Variant of Uncertain Significance. This sequence change replaces alanine, which is neutral and non-polar, with proline, which is neutral and non-polar, at codon 146 of the SDHA protein (p.Ala146Pro). This variant is not present in population databases (gnomAD no frequency). This variant has not been reported in the literature in individuals affected with SDHA-related conditions. Algorithms developed to predict the effect of missense changes on protein structure and function (SIFT, PolyPhen-2, Align-GVGD) all suggest that this variant is likely to be disruptive.